The following is an entry in ClinVar:

ClinVar aggregate classification (germline): Uncertain significance. Review status: criteria provided, multiple submitters, no conflicts (2 of 4 stars). 3 submissions from 3 submitters: Uncertain significance (3). Last evaluated 2024-02-10.

Conditions:
Hereditary pancreatitis (PCTT). Also called: Hereditary chronic pancreatitis; PRSS1-Related Hereditary Pancreatitis. Identifiers: Orphanet 676, MedGen C0238339, MONDO:0008185, OMIM 167800.

Submissions (3):

Ambry Genetics
Classification: Uncertain significance for Hereditary pancreatitis. Last evaluated: 2024-02-10. Review status: criteria provided, single submitter. Criteria: Ambry Variant Classification Scheme 2023. Collection method: clinical testing. Allele origin: germline.
Comment: The p.R83C variant (also known as c.247C>T), located in coding exon 4 of the CTRC gene, results from a C to T substitution at nucleotide position 247. The arginine at codon 83 is replaced by cysteine, an amino acid with highly dissimilar properties. This amino acid position is conserved. In addition, this alteration is predicted to be deleterious by in silico analysis. Since supporting evidence is limited at this time, the clinical significance of this alteration remains unclear.

Labcorp Genetics (formerly Invitae), Labcorp
Classification: Uncertain significance for Hereditary pancreatitis. Last evaluated: 2024-01-11. Review status: criteria provided, single submitter. Criteria: Invitae Variant Classification Sherloc (09022015). Collection method: clinical testing. Allele origin: germline.
Comment: This sequence change replaces arginine, which is basic and polar, with cysteine, which is neutral and slightly polar, at codon 83 of the CTRC protein (p.Arg83Cys). This variant is present in population databases (rs747679121, gnomAD 0.01%). This variant has not been reported in the literature in individuals affected with CTRC-related conditions. ClinVar contains an entry for this variant (Variation ID: 1163726). Advanced modeling of protein sequence and biophysical properties (such as structural, functional, and spatial information, amino acid conservation, physicochemical variation, residue mobility, and thermodynamic stability) performed at Invitae indicates that this missense variant is expected to disrupt CTRC protein function with a positive predictive value of 80%. In summary, the available evidence is currently insufficient to determine the role of this variant in disease. Therefore, it has been classified as a Variant of Uncertain Significance.

Mayo Clinic Laboratories, Mayo Clinic
Classification: Uncertain significance. Last evaluated: 2022-11-09. Review status: criteria provided, single submitter. Criteria: ACMG Guidelines, 2015. Collection method: clinical testing. Allele origin: germline. Observed: 2 variant alleles.
Comment: PP3, PM2

NM_007272.3(CTRC):c.247C>T (p.Arg83Cys)

Gene: CTRC (chymotrypsin C; plus strand). Cytogenetic location: 1p36.21.
Variant type: single nucleotide variant.
Coding change: c.247C>T on transcript NM_007272.3 (MANE Select); coding-DNA position 247, C replaced by T.
Protein change: p.Arg83Cys; replaces arginine 83 with cysteine.
Molecular consequence: missense variant.
Genome position (GRCh38, 1-based): chr1:15,442,463, C>T. VCF-style: chr1-15442463-C-T. GRCh37 (hg19) VCF-style: chr1-15768959-C-T.
Other names: short protein forms R83C.
Identifiers: ClinVar variation 1163726 (VCV001163726.11), dbSNP rs747679121, ClinGen allele CA613293.